The following is an entry in ClinVar:

ClinVar aggregate classification (germline): Likely benign (1 of 4 stars; one submission).

Conditions:
INO80-related disorder. Also called: INO80-related condition.

gnomAD v4.1: 1 of 1,540,242 alleles (0.000065%); highest among the groups gnomAD compares: Non-Finnish European, 0.000089%; no homozygotes.

Submission:

PreventionGenetics, part of Exact Sciences
Classification: Likely benign for INO80-related condition. Last evaluated: 2025-02-26. Review status: criteria provided, single submitter. Criteria: ACMG Guidelines, 2015. Collection method: clinical testing. Allele origin: germline.
Comment: This variant is classified as likely benign based on ACMG/AMP sequence variant interpretation guidelines (Richards et al. 2015 PMID: 25741868, with internal and published modifications).

NM_017553.3(INO80):c.1687-9C>T

Gene: INO80 (INO80 complex ATPase subunit; minus strand). Cytogenetic location: 15q15.1.
Variant type: single nucleotide variant.
Coding change: c.1687-9C>T on transcript NM_017553.3 (MANE Select); 9 bases into the intron before coding-DNA position 1687, C replaced by T.
Molecular consequence: intron variant.
Genome position (GRCh38, 1-based): chr15:41,069,674, G>A on the plus strand (C>T on the coding strand, the complement: INO80 is on the minus strand). VCF-style: chr15-41069674-G-A. GRCh37 (hg19) VCF-style: chr15-41361872-G-A.
Identifiers: ClinVar variation 4998016 (VCV004998016.1).